The following is an entry in ClinVar:

NM_001020658.2(PUM1):c.1803C>T (p.Ala601=)

Gene: PUM1 (pumilio RNA binding family member 1; minus strand). Cytogenetic location: 1p35.2.
Variant type: single nucleotide variant.
Coding change: c.1803C>T on transcript NM_001020658.2 (MANE Select); coding-DNA position 1803, C replaced by T.
Protein change: p.Ala601=; no amino-acid change (alanine 601 retained).
Molecular consequence: synonymous variant.
Genome position (GRCh38, 1-based): chr1:30,966,265, G>A on the plus strand (C>T on the coding strand, the complement: PUM1 is on the minus strand). VCF-style: chr1-30966265-G-A. GRCh37 (hg19) VCF-style: chr1-31439112-G-A.
Other names: c.1803C>T, p.Ala601= (NM_014676.3).
Identifiers: ClinVar variation 3038935 (VCV003038935.3), dbSNP rs370826354, ClinGen allele CA729090.

ClinVar aggregate classification (germline): Likely benign. Review status: criteria provided, single submitter (1 of 4 stars). 2 submissions from 2 submitters: Likely benign (1). 1 of the submissions does not count toward it. Last evaluated 2023-09-18.

Conditions:
PUM1-related disorder. Also called: PUM1-related condition; PUM1-related disorders.

Allele frequency attached by ClinVar (database versions not stated): TOPMed 0.00003; ExAC 0.00005; gnomAD 0.00005; gnomAD exomes 0.00005; ESP Exome Variant Server 0.00008.
gnomAD v4.1: 86 of 1,598,584 alleles (0.0054%); highest among the groups gnomAD compares: East Asian, 0.15%; no homozygotes.

Submissions (2):

Blueprint Genetics
Classification: Likely benign. Last evaluated: 2023-09-18. Review status: criteria provided, single submitter. Criteria: ACMG Guidelines, 2015. Collection method: clinical testing. Allele origin: germline.

PreventionGenetics, part of Exact Sciences
Classification: Likely benign for PUM1-related condition. Last evaluated: 2019-05-23. Review status: no assertion criteria provided. Collection method: clinical testing. Allele origin: germline. Not counted in ClinVar's aggregate classification.
Comment: This variant is classified as likely benign based on ACMG/AMP sequence variant interpretation guidelines (Richards et al. 2015 PMID: 25741868, with internal and published modifications).